The following is an entry in ClinVar:

ClinVar aggregate classification (germline): Uncertain significance (1 of 4 stars; one submission).

Conditions:
Hereditary cancer-predisposing syndrome. Also called: Tumor predisposition; Hereditary neoplastic syndrome; Neoplastic Syndromes, Hereditary; Hereditary Cancer Syndrome. Identifiers: Orphanet 140162, MedGen C0027672, MeSH D009386, MONDO:0015356.

Submission:

Ambry Genetics
Classification: Uncertain significance for Hereditary cancer-predisposing syndrome. Last evaluated: 2025-06-11. Review status: criteria provided, single submitter. Criteria: Ambry Variant Classification Scheme 2023. Collection method: clinical testing. Allele origin: germline.
Comment: The c.688-11G>A intronic variant results from a G to A substitution 11 nucleotides upstream from coding exon 6 in the CDH1 gene. This nucleotide position is well conserved in available vertebrate species. In silico splice site analysis predicts that this alteration may weaken the native splice acceptor site and will result in the creation or strengthening of a novel splice acceptor site; however, direct evidence is insufficient at this time (Ambry internal data). Based on the available evidence, the clinical significance of this variant remains unclear.

NM_004360.5(CDH1):c.688-11G>A

Gene: CDH1 (cadherin 1; plus strand). Cytogenetic location: 16q22.1.
Variant type: single nucleotide variant.
Coding change: c.688-11G>A on transcript NM_004360.5 (MANE Select); 11 bases into the intron before coding-DNA position 688, G replaced by A.
Molecular consequence: intron variant.
Genome position (GRCh38, 1-based): chr16:68,810,186, G>A. VCF-style: chr16-68810186-G-A. GRCh37 (hg19) VCF-style: chr16-68844089-G-A.
Other names: c.-928-11G>A (NM_001317185.2); c.-1132-11G>A (NM_001317186.2); c.688-11G>A (NM_001317184.2).
Identifiers: ClinVar variation 3998780 (VCV003998780.1).